The following is an entry in ClinVar:

NM_004562.3(PRKN):c.871+69692G>T

Gene: PRKN (parkin RBR E3 ubiquitin protein ligase; minus strand). Cytogenetic location: 6q26.
Variant type: single nucleotide variant.
Coding change: c.871+69692G>T on transcript NM_004562.3 (MANE Select); 69692 bases into the intron after coding-DNA position 871, G replaced by T.
Molecular consequence: intron variant.
Genome position (GRCh38, 1-based): chr6:161,716,080, C>A on the plus strand (G>T on the coding strand, the complement: PRKN is on the minus strand). VCF-style: chr6-161716080-C-A. GRCh37 (hg19) VCF-style: chr6-162137112-C-A.
Other names: c.424+69692G>T (NM_013988.3); c.787+69692G>T (NM_013987.3).
Identifiers: ClinVar variation 1706839 (VCV001706839.2), dbSNP rs549124616, ClinGen allele CA4090153.

ClinVar aggregate classification (germline): Likely benign (1 of 4 stars; one submission).

Allele frequency attached by ClinVar (database versions not stated): ExAC 0.00102; gnomAD 0.00470; 1000 Genomes Project 0.00479; TOPMed 0.00522; 1000 Genomes Project 30x 0.00531.
gnomAD v4.1: 1,135 of 1,343,068 alleles (0.085%); highest among the groups gnomAD compares: African/African-American, 1.6%; 10 homozygotes.

Submission:

GeneDx
Classification: Likely benign. Last evaluated: 2021-10-15. Review status: criteria provided, single submitter. Criteria: GeneDx Variant Classification Process June 2021. Collection method: clinical testing. Allele origin: germline. Affected: yes.
Comment: See Variant Classification Assertion Criteria.